The following is an entry in ClinVar:

NM_006204.4(PDE6C):c.1321A>G (p.Lys441Glu)

Gene: PDE6C (phosphodiesterase 6C; plus strand). Cytogenetic location: 10q23.33.
Variant type: single nucleotide variant.
Coding change: c.1321A>G on transcript NM_006204.4 (MANE Select); coding-DNA position 1321, A replaced by G.
Protein change: p.Lys441Glu; replaces lysine 441 with glutamic acid.
Molecular consequence: missense variant.
Genome position (GRCh38, 1-based): chr10:93,635,548, A>G. VCF-style: chr10-93635548-A-G. GRCh37 (hg19) VCF-style: chr10-95395305-A-G.
Other names: short protein forms K441E.
Identifiers: ClinVar variation 2187812 (VCV002187812.2), dbSNP rs766495929, ClinGen allele CA5610149.

ClinVar aggregate classification (germline): Uncertain significance (1 of 4 stars; one submission).

Allele frequency attached by ClinVar (database versions not stated): gnomAD exomes 0.00002; ExAC 0.00005.
gnomAD v4.1: 22 of 1,612,786 alleles (0.0014%); highest among the groups gnomAD compares: South Asian, 0.021%; no homozygotes.

Submission:

Labcorp Genetics (formerly Invitae), Labcorp
Classification: Uncertain significance. Last evaluated: 2025-05-27. Review status: criteria provided, single submitter. Criteria: Invitae Variant Classification Sherloc (09022015). Collection method: clinical testing. Allele origin: germline.
Comment: This sequence change replaces lysine, which is basic and polar, with glutamic acid, which is acidic and polar, at codon 441 of the PDE6C protein (p.Lys441Glu). This variant is present in population databases (rs766495929, gnomAD 0.02%). This variant has not been reported in the literature in individuals affected with PDE6C-related conditions. ClinVar contains an entry for this variant (Variation ID: 2187812). Invitae Evidence Modeling of protein sequence and biophysical properties (such as structural, functional, and spatial information, amino acid conservation, physicochemical variation, residue mobility, and thermodynamic stability) indicates that this missense variant is not expected to disrupt PDE6C protein function with a negative predictive value of 80%. In summary, the available evidence is currently insufficient to determine the role of this variant in disease. Therefore, it has been classified as a Variant of Uncertain Significance.